The following is an entry in ClinVar:

NM_153240.5(NPHP3):c.158C>G (p.Ala53Gly)

Genes: NPHP3 (nephrocystin 3; minus strand), NPHP3-AS1 (NPHP3 antisense RNA 1; plus strand), NPHP3-ACAD11 (NPHP3-ACAD11 readthrough (NMD candidate); minus strand), LOC129937586 (ATAC-STARR-seq lymphoblastoid silent region 14743; plus strand). Cytogenetic location: 3q22.1.
Variant type: single nucleotide variant.
Coding change: c.158C>G on transcript NM_153240.5 (MANE Select); coding-DNA position 158, C replaced by G.
Protein change: p.Ala53Gly; replaces alanine 53 with glycine.
Molecular consequence: missense variant. On other transcripts: non-coding transcript variant (3).
Genome position (GRCh38, 1-based): chr3:132,722,198, G>C on the plus strand (C>G on the coding strand, the complement: NPHP3 is on the minus strand). VCF-style: chr3-132722198-G-C. GRCh37 (hg19) VCF-style: chr3-132441042-G-C.
Other names: short protein forms A53G.
Identifiers: ClinVar variation 594322 (VCV000594322.11), dbSNP rs538317431, ClinGen allele CA2622696.

ClinVar aggregate classification (germline): Uncertain significance. Review status: criteria provided, multiple submitters, no conflicts (2 of 4 stars). 3 submissions from 3 submitters: Uncertain significance (3). Last evaluated 2024-01-10.

Conditions:
Renal-hepatic-pancreatic dysplasia 1 (RHPD1). Identifiers: MedGen C3715199, MONDO:0008833, OMIM 208540.
Nephronophthisis 3 (NPHP3). Also called: Adolescent nephronophthisis. Identifiers: Orphanet 655, MedGen C1858392, MONDO:0011456, OMIM 604387.
NPHP3-related Meckel-like syndrome. Also called: Meckel syndrome type 7; GOLDSTON SYNDROME. Identifiers: Orphanet 3032, MedGen C2673885, MONDO:0009966, OMIM 267010.
Nephronophthisis. Also called: Juvenile Nephronophthisis. Identifiers: Orphanet 655, MedGen C0687120, MONDO:0019005, HP:0000090.

Allele frequency attached by ClinVar (database versions not stated): gnomAD 0.00001 and 0.00003; TOPMed 0.00001; 1000 Genomes Project 30x 0.00031; 1000 Genomes Project 0.00040.
gnomAD v4.1: 43 of 1,509,598 alleles (0.0028%); highest among the groups gnomAD compares: East Asian, 0.1%; no homozygotes.

Submissions (3):

Fulgent Genetics
Classification: Uncertain significance for Renal-hepatic-pancreatic dysplasia 1; NPHP3-related Meckel-like syndrome; Nephronophthisis 3. Last evaluated: 2024-01-10. Review status: criteria provided, single submitter. Criteria: ACMG Guidelines, 2015. Collection method: clinical testing. Allele origin: germline.

Labcorp Genetics (formerly Invitae), Labcorp
Classification: Uncertain significance for Nephronophthisis. Last evaluated: 2021-12-18. Review status: criteria provided, single submitter. Criteria: Invitae Variant Classification Sherloc (09022015). Collection method: clinical testing. Allele origin: germline.
Comment: This sequence change replaces alanine, which is neutral and non-polar, with glycine, which is neutral and non-polar, at codon 53 of the NPHP3 protein (p.Ala53Gly). This variant is present in population databases (rs538317431, gnomAD 0.08%). This variant has not been reported in the literature in individuals affected with NPHP3-related conditions. ClinVar contains an entry for this variant (Variation ID: 594322). Algorithms developed to predict the effect of missense changes on protein structure and function are either unavailable or do not agree on the potential impact of this missense change (SIFT: "Deleterious"; PolyPhen-2: "Benign"; Align-GVGD: "Class C0"). In summary, the available evidence is currently insufficient to determine the role of this variant in disease. Therefore, it has been classified as a Variant of Uncertain Significance.

Eurofins Ntd Llc (ga)
Classification: Uncertain significance. Last evaluated: 2017-10-03. Review status: criteria provided, single submitter. Criteria: EGL Classification Definitions 2015. Collection method: clinical testing. Allele origin: germline. Observed: 1 variant allele, 1 heterozygote.